The following is an entry in ClinVar:

ClinVar aggregate classification (germline): Benign (0 of 4 stars; one submission).

Conditions:
BIRC6-related disorder. Also called: BIRC6-related condition.

Allele frequency attached by ClinVar (database versions not stated): ExAC 0.00161; 1000 Genomes Project 30x 0.00234; 1000 Genomes Project 0.00280.
gnomAD v4.1: 830 of 1,613,870 alleles (0.051%); highest among the groups gnomAD compares: East Asian, 1.7%; 2 homozygotes.

Submission:

PreventionGenetics, part of Exact Sciences
Classification: Benign for BIRC6-related condition. Last evaluated: 2019-03-26. Review status: no assertion criteria provided. Collection method: clinical testing. Allele origin: germline.
Comment: This variant is classified as benign based on ACMG/AMP sequence variant interpretation guidelines (Richards et al. 2015 PMID: 25741868, with internal and published modifications).

NM_016252.4(BIRC6):c.6063G>A (p.Glu2021=)

Gene: BIRC6 (baculoviral IAP repeat containing 6; plus strand). Cytogenetic location: 2p22.3.
Variant type: single nucleotide variant.
Coding change: c.6063G>A on transcript NM_016252.4 (MANE Select); coding-DNA position 6063, G replaced by A.
Protein change: p.Glu2021=; no amino-acid change (glutamic acid 2021 retained).
Molecular consequence: synonymous variant.
Genome position (GRCh38, 1-based): chr2:32,468,719, G>A. VCF-style: chr2-32468719-G-A. GRCh37 (hg19) VCF-style: chr2-32693787-G-A.
Other names: c.6033G>A, p.Glu2011= (NM_001378125.1).
Identifiers: ClinVar variation 3039874 (VCV003039874.2), dbSNP rs61757641, ClinGen allele CA1603775.